The following is an entry in ClinVar:

NM_000051.4(ATM):c.6976-10_6989del

Genes: ATM (ATM serine/threonine kinase; plus strand), C11orf65 (chromosome 11 open reading frame 65; minus strand). Cytogenetic location: 11q22.3.
Variant type: Deletion.
Coding change: c.6976-10_6989del on transcript NM_000051.4 (MANE Select); 10 bases into the intron before coding-DNA position 6976 through coding-DNA position 6989, 24 bases deleted (TCTTATACAGAACAATCCCAGCCT).
Molecular consequence: splice acceptor variant. On other transcripts: intron variant (2).
Genome position (GRCh38, 1-based): chr11:108,327,635-108,327,658, TCTTATACAGAACAATCCCAGCCT deleted; deleting any 24 consecutive bases within chr11:108,327,634-108,327,658 gives the same sequence; the c. name uses the placement nearest the transcript's 3' end. VCF-style (leftmost placement, unchanged base first): chr11-108327633-TTTCTTATACAGAACAATCCCAGCC-T. GRCh37 (hg19) VCF-style: chr11-108198360-TTTCTTATACAGAACAATCCCAGCC-T.
Other names: c.6976-10_6989delTCTTATACAGAACAATCCCAGCCT (NM_000051.3); c.6976-10_6989del (NM_001351834.2); c.641-18586_641-18563del (NM_001330368.2); c.*38+7563_*38+7586del (NM_001351110.2).
Identifiers: ClinVar variation 127432 (VCV000127432.16), dbSNP rs587779859, ClinGen allele CA286953.

ClinVar aggregate classification (germline): Pathogenic/Likely pathogenic. Review status: criteria provided, multiple submitters, no conflicts (2 of 4 stars). 6 submissions from 6 submitters: Pathogenic (1); Likely pathogenic (5). Last evaluated 2025-09-12.

Conditions:
Hereditary cancer-predisposing syndrome. Also called: Neoplastic Syndromes, Hereditary; Hereditary Cancer Syndrome; Tumor predisposition; Hereditary neoplastic syndrome. Identifiers: Orphanet 140162, MedGen C0027672, MeSH D009386, MONDO:0015356.
Ataxia-telangiectasia syndrome (AT). Also called: Ataxia-telangiectasia, complementation group D; AT, COMPLEMENTATION GROUP C; Ataxia-telangiectasia; ATAXIA-TELANGIECTASIA, COMPLEMENTATION GROUP A; ATAXIA-TELANGIECTASIA, FRESNO VARIANT; Ataxia-telangiectasia, complementation group E. Identifiers: Orphanet 100, MedGen C0004135, MONDO:0008840, OMIM 208900.
Familial cancer of breast. Also called: BREAST CANCER, FAMILIAL; hereditary breast carcinoma; Hereditary breast cancer. Identifiers: Orphanet 227535, MedGen C0346153, MONDO:0016419, OMIM 114480. Disease mechanism: loss of function.

Submissions (6):

Ambry Genetics
Classification: Likely pathogenic for Hereditary cancer-predisposing syndrome. Last evaluated: 2025-09-12. Review status: criteria provided, single submitter. Criteria: Ambry Variant Classification Scheme 2023. Collection method: clinical testing. Allele origin: germline.
Comment: The c.6976-10_6989del24 variant results from a deletion of 24 nucleotides between positions c.6976-10 and c.6989 and involves the canonical splice acceptor site before coding exon 47 of the ATM gene. This variant is considered to be rare based on population cohorts in the Genome Aggregation Database (gnomAD). The canonical splice acceptor site is highly conserved in available vertebrate species. In silico splice site analysis predicts that this alteration will weaken the native splice acceptor site. RNA studies have demonstrated that this alteration results in abnormal splicing in the set of samples tested (Ambry internal data). Alterations that disrupt the canonical splice site are expected to cause aberrant splicing, resulting in an abnormal protein or a transcript that is subject to nonsense-mediated mRNA decay. As such, this alteration is classified as likely pathogenic.

Baylor Genetics
Classification: Likely pathogenic for Familial cancer of breast. Last evaluated: 2024-03-04. Review status: criteria provided, single submitter. Criteria: ACMG Guidelines, 2015. Collection method: clinical testing. Allele origin: unknown.

Myriad Genetics, Inc.
Classification: Likely pathogenic for Familial cancer of breast. Last evaluated: 2024-01-30. Review status: criteria provided, single submitter. Criteria: Myriad Autosomal Dominant, Autosomal Recessive and X-Linked Classification Criteria (2023). Collection method: clinical testing. Allele origin: unknown.
Comment: This variant is considered likely pathogenic. This variant occurs within a consensus splice junction and is predicted to result in abnormal mRNA splicing of either an out-of-frame exon or an in-frame exon necessary for protein stability and/or normal function.

Labcorp Genetics (formerly Invitae), Labcorp
Classification: Likely pathogenic for Ataxia-telangiectasia syndrome. Last evaluated: 2021-03-31. Review status: criteria provided, single submitter. Criteria: Invitae Variant Classification Sherloc (09022015). Collection method: clinical testing. Allele origin: germline.
Comment: This sequence change affects an acceptor splice site in intron 48 of the ATM gene. It is expected to disrupt RNA splicing. Variants that disrupt the donor or acceptor splice site typically lead to a loss of protein function (PMID: 16199547), and loss-of-function variants in ATM are known to be pathogenic (PMID: 23807571, 25614872). Algorithms developed to predict the effect of sequence changes on RNA splicing suggest that this variant may disrupt the consensus splice site, but this prediction has not been confirmed by published transcriptional studies. This variant has not been reported in the literature in individuals with ATM-related conditions. ClinVar contains an entry for this variant (Variation ID: 127432). This variant is not present in population databases (ExAC no frequency). In summary, the currently available evidence indicates that the variant is pathogenic, but additional data are needed to prove that conclusively. Therefore, this variant has been classified as Likely Pathogenic.

Color Diagnostics, LLC DBA Color Health
Classification: Likely pathogenic for Hereditary cancer-predisposing syndrome. Last evaluated: 2019-08-13. Review status: criteria provided, single submitter. Criteria: ACMG Guidelines, 2015. Collection method: clinical testing. Allele origin: germline.
Comment: This variant deletes 24 nucleotides encompassing the last 10 nucleotides of intron 47 and the first 14 nucleotides of exon 48 of the ATM gene. This variant is expected to disrupt the intron 47 splice acceptor site. Although RNA study has not been performed to confirm the prediction, this variant is expected to result in an absent or disrupted protein product. To our knowledge, functional assays have not been performed for this variant nor has this variant been reported in individuals affected with hereditary cancer in the literature. This variant has not been identified in the general population by the Genome Aggregation Database (gnomAD). Loss of ATM function is a known mechanism of disease. Based on available evidence, this variant is classified as Likely Pathogenic.

GeneDx
Classification: Pathogenic for Neoplastic Syndromes, Hereditary. Last evaluated: 2014-06-20. Review status: criteria provided, single submitter. Criteria: GeneDx Variant Classification (06012015). Collection method: clinical testing. Allele origin: germline. Affected: yes.
Comment: This variant is denoted ATM c.6976-10_6989del24 and consists of a deletion of 24 nucleotides at the -10 position of intron 47. The surrounding sequence and deleted bases are cctt{tcttatacagAACAATCCCAGCCT}AAAAC, where the lower case letters are intronic bases and upper case exonic. The deletion spans the intron-exon boundary, resulting in loss of the canonical splice acceptor site. It is predicted to cause abnormal gene splicing, leading to either an abnormal message that is subject to nonsense-mediated mRNA decay or to an abnormal protein product. Although the mutation has not, to our knowledge, been published in the literature, it is considered pathogenic. One mutation in the ATM gene has been estimated to increase the relative risk of female breast cancer about 2-fold over the general population (Thompson 2005, Renwick 2006) resulting in a lifetime risk of approximately 25-30%. According to one study, breast cancer risk in women under age 50 who carry one ATM mutation is nearly 5 times the age-matched general population risk which translates to approximately a 10% risk (Thompson 2005). This study of 1160 ATM carriers also reported evidence of increased risk for colon cancer. In a recent study of 166 unrelated familial pancreatic cancer patients, 2.4% were identified as carriers of one ATM mutation, and in families with 3 or more cases of pancreatic cancer, 4.6% carried an ATM mutation (Roberts 2012). Ataxia-telangiectasia (A-T) is an autosomal recessive condition caused by two mutations (one affecting each allele) in the ATM gene. This multisystem disorder is characterized by progressive neurodegeneration, telangiectasias, immunodeficiency, and increased cancer risks. If an ATM mutation carrier's partner is also heterozygous for an ATM mutation, the risk to have a child with A-T is 25% with each pregnancy. The variant is found in PANC-HEREDIC,BR-OV-HEREDIC panel(s).

Literature cited by the submitters: PubMed 26681312 (cited by Ambry Genetics); PubMed 16199547 (cited by Labcorp Genetics (formerly Invitae), Labcorp); PubMed 23807571 (cited by Labcorp Genetics (formerly Invitae), Labcorp); PubMed 25614872 (cited by Labcorp Genetics (formerly Invitae), Labcorp).